The following is an entry in ClinVar:

ClinVar aggregate classification (germline): Pathogenic (1 of 4 stars; one submission).

Conditions:
PHIP-related disorder. Also called: PHIP-related condition; PHIP-related disorders.

Submission:

GeneDx
Classification: Pathogenic. Last evaluated: 2018-02-02. Review status: criteria provided, single submitter. Criteria: GeneDx Variant Classification (06012015). Collection method: clinical testing. Allele origin: germline. Affected: yes.
Comment: The c.600+1delG variant in the PHIP gene has not been reported previously as a pathogenic variant nor as a benign variant, to our knowledge. This splice site variant destroys the canonical splice donor site in intron 7. It is predicted to cause abnormal gene splicing, either leading to an abnormal message that is subject to nonsense-mediated mRNA decay, or to an abnormal protein product if the message is used for protein translation. The c.600+1delG variant is not observed in large population cohorts (Lek et al., 2016). We interpret c.600+1delG as a pathogenic variant.

NM_017934.7(PHIP):c.600+1del

Gene: PHIP (PHIP subunit of CUL4-Ring ligase complex; minus strand). Cytogenetic location: 6q14.1.
Variant type: Deletion.
Coding change: c.600+1del on transcript NM_017934.7 (MANE Select); the canonical splice donor site of the intron after coding-DNA position 600, one base deleted (G; older notation c.600+1delG).
Molecular consequence: splice donor variant.
Genome position (GRCh38, 1-based): chr6:79,042,842, C deleted on the plus strand (G on the coding strand, the reverse complement: PHIP is on the minus strand). VCF-style (leftmost placement, unchanged base first): chr6-79042841-AC-A. GRCh37 (hg19) VCF-style: chr6-79752558-AC-A.
Identifiers: ClinVar variation 504194 (VCV000504194.4), dbSNP rs1554210066, ClinGen allele CA658796789.
Genomic context (GRCh38, chr6:79,042,841, plus strand): 5'-CTATAAGCAATATTTCCTCAATTACATATATGAATATAAATAATACTTTAGCAATTACTT[AC>A]AGTAAATATCCGTCTGCCAGTTCGATCAAAAGTTACACAGTACACAGATGACAAGTGTCC-3'